The following is an entry in ClinVar:

NM_006514.4(SCN10A):c.5764G>A (p.Glu1922Lys)

Gene: SCN10A (sodium voltage-gated channel alpha subunit 10; minus strand). Cytogenetic location: 3p22.2.
Variant type: single nucleotide variant.
Coding change: c.5764G>A on transcript NM_006514.4 (MANE Select); coding-DNA position 5764, G replaced by A.
Protein change: p.Glu1922Lys; replaces glutamic acid 1922 with lysine.
Molecular consequence: missense variant.
Genome position (GRCh38, 1-based): chr3:38,697,456, C>T on the plus strand (G>A on the coding strand, the complement: SCN10A is on the minus strand). VCF-style: chr3-38697456-C-T. GRCh37 (hg19) VCF-style: chr3-38738947-C-T.
Other names: c.5761G>A, p.Glu1921Lys (NM_001293306.2); c.5470G>A, p.Glu1824Lys (NM_001293307.2); short protein forms E1824K, E1921K, E1922K.
Identifiers: ClinVar variation 1516375 (VCV001516375.8), dbSNP rs376810032, ClinGen allele CA2319602.

ClinVar aggregate classification (germline): Conflicting classifications of pathogenicity. Review status: criteria provided, conflicting classifications (1 of 4 stars). 2 submissions from 2 submitters: Uncertain significance (1); Likely benign (1). Last evaluated 2025-05-14.

Conditions:
Cardiovascular phenotype. Identifiers: MedGen CN230736.
Brugada syndrome. Also called: Sudden unexpected nocturnal death syndrome; Sudden Unexplained Death Syndrome; Sudden Unexplained Nocturnal Death Syndrome (SUNDS); Sudden unexplained nocturnal death syndrome. Identifiers: Orphanet 130, MedGen C1142166, MONDO:0015263.

Allele frequency attached by ClinVar (database versions not stated): gnomAD exomes 0.00001 and 0.00002; ExAC 0.00002; gnomAD 0.00003 and 0.00004; TOPMed 0.00004; ESP Exome Variant Server 0.00008.
gnomAD v4.1: 14 of 1,614,070 alleles (0.00087%); highest among the groups gnomAD compares: African/African-American, 0.013%; no homozygotes.

Submissions (2):

Labcorp Genetics (formerly Invitae), Labcorp
Classification: Uncertain significance for Brugada syndrome. Last evaluated: 2025-05-14. Review status: criteria provided, single submitter. Criteria: Invitae Variant Classification Sherloc (09022015). Collection method: clinical testing. Allele origin: germline.
Comment: This sequence change replaces glutamic acid, which is acidic and polar, with lysine, which is basic and polar, at codon 1922 of the SCN10A protein (p.Glu1922Lys). This variant is present in population databases (rs376810032, gnomAD 0.02%). This variant has not been reported in the literature in individuals affected with SCN10A-related conditions. ClinVar contains an entry for this variant (Variation ID: 1516375). An algorithm developed to predict the effect of missense changes on protein structure and function (PolyPhen-2) suggests that this variant is likely to be tolerated. In summary, the available evidence is currently insufficient to determine the role of this variant in disease. Therefore, it has been classified as a Variant of Uncertain Significance.

Ambry Genetics
Classification: Likely benign for Cardiovascular phenotype. Last evaluated: 2019-10-21. Review status: criteria provided, single submitter. Criteria: Ambry Variant Classification Scheme 2023. Collection method: clinical testing. Allele origin: germline.